The following is an entry in ClinVar:

ClinVar aggregate classification (germline): Uncertain significance. Review status: criteria provided, single submitter (1 of 4 stars). 2 submissions from 2 submitters: Uncertain significance (1). 1 of the submissions does not count toward it. Last evaluated 2025-08-13.

Conditions:
NAV2-related disorder. Also called: NAV2-related condition.

Allele frequency attached by ClinVar (database versions not stated): 1000 Genomes Project 0.00060; 1000 Genomes Project 30x 0.00062; ESP Exome Variant Server 0.00092; gnomAD 0.00132.
gnomAD v4.1: 2,725 of 1,584,820 alleles (0.17%); highest among the groups gnomAD compares: Admixed American, 0.37%; 4 homozygotes.

Submissions (2):

Ambry Genetics
Classification: Uncertain significance. Last evaluated: 2025-08-13. Review status: criteria provided, single submitter. Criteria: Ambry Variant Classification Scheme 2023. Collection method: clinical testing. Allele origin: germline.

PreventionGenetics, part of Exact Sciences
Classification: Likely benign for NAV2-related condition. Last evaluated: 2023-03-07. Review status: no assertion criteria provided. Collection method: clinical testing. Allele origin: germline. Not counted in ClinVar's aggregate classification.
Comment: This variant is classified as likely benign based on ACMG/AMP sequence variant interpretation guidelines (Richards et al. 2015 PMID: 25741868, with internal and published modifications).

NM_145117.5(NAV2):c.985G>C (p.Ala329Pro)

Gene: NAV2 (neuron navigator 2; plus strand). Cytogenetic location: 11p15.1.
Variant type: single nucleotide variant.
Coding change: c.985G>C on transcript NM_145117.5 (MANE Select); coding-DNA position 985, G replaced by C.
Protein change: p.Ala329Pro; replaces alanine 329 with proline.
Molecular consequence: missense variant.
Genome position (GRCh38, 1-based): chr11:19,933,229, G>C. VCF-style: chr11-19933229-G-C. GRCh37 (hg19) VCF-style: chr11-19954775-G-C.
Other names: c.985G>C, p.Ala329Pro (NM_182964.6); c.985G>C (NM_145117.4); c.793G>C, p.Ala265Pro (NM_001111018.2); c.1054G>C, p.Ala352Pro (NM_001244963.2); short protein forms A265P, A329P, A352P.
Identifiers: ClinVar variation 3034257 (VCV003034257.3), dbSNP rs150902509, ClinGen allele CA5917768.